The following is an entry in ClinVar:

NM_000092.5(COL4A4):c.640G>T (p.Gly214Ter)

Gene: COL4A4 (collagen type IV alpha 4 chain; minus strand). Cytogenetic location: 2q36.3.
Variant type: single nucleotide variant.
Coding change: c.640G>T on transcript NM_000092.5 (MANE Select); coding-DNA position 640, G replaced by T.
Protein change: p.Gly214Ter; replaces glycine 214 with a stop codon.
Molecular consequence: nonsense.
Genome position (GRCh38, 1-based): chr2:227,109,241, C>A on the plus strand (G>T on the coding strand, the complement: COL4A4 is on the minus strand). VCF-style: chr2-227109241-C-A. GRCh37 (hg19) VCF-style: chr2-227973957-C-A.
Other names: short protein forms G214*.
Identifiers: ClinVar variation 1726595 (VCV001726595.2), dbSNP rs2475811047, ClinGen allele CA350859773.

ClinVar aggregate classification (germline): Likely pathogenic (1 of 4 stars; one submission).

Conditions:
Autosomal recessive Alport syndrome (ATS2). Also called: Alport syndrome type 2; COL4A4 Alport Syndrome and Thin Basement Membrane Nephropathy; ALPORT SYNDROME 2, AUTOSOMAL RECESSIVE; COL4A3-Related Nephropathy. Identifiers: Orphanet 63, Orphanet 88919, MedGen C4746745, MONDO:0008762, OMIM 203780.

Submission:

Myriad Genetics, Inc.
Classification: Likely pathogenic for Autosomal recessive Alport syndrome. Last evaluated: 2021-12-27. Review status: criteria provided, single submitter. Criteria: Myriad Women's Health Autosomal Recessive and X-Linked Classification Criteria (2021). Collection method: clinical testing. Allele origin: unknown.
Comment: NM_000092.4(COL4A4):c.640G>T(G214*) is expected to be pathogenic in the context of COL4A4-related Alport syndrome. This variant is predicted to lead to an abnormal or absent protein product due to the creation of a premature termination codon in COL4A4, a gene where loss-of-function variants are known to be pathogenic. Please note: this variant was assessed in the context of healthy population screening.